The following is an entry in ClinVar:

ClinVar aggregate classification (germline): Uncertain significance. Review status: criteria provided, multiple submitters, no conflicts (2 of 4 stars). 2 submissions from 2 submitters: Uncertain significance (2). Last evaluated 2024-12-10.

Conditions:
Astrocytoma IDH-mutant. Identifiers: MedGen C5669733.

gnomAD v4.1: 1 of 1,613,522 alleles (0.000062%); highest among the groups gnomAD compares: Non-Finnish European, 0.000085%; no homozygotes.

Submissions (2):

Ambry Genetics
Classification: Uncertain significance. Last evaluated: 2024-12-10. Review status: criteria provided, single submitter. Criteria: Ambry Variant Classification Scheme 2023. Collection method: clinical testing. Allele origin: germline.
Comment: The p.H487Y variant (also known as c.1459C>T), located in coding exon 1 of the MLH3 gene, results from a C to T substitution at nucleotide position 1459. The histidine at codon 487 is replaced by tyrosine, an amino acid with similar properties. This amino acid position is conserved. In addition, this alteration is predicted to be tolerated by in silico analysis. Based on the available evidence, the clinical significance of this variant remains unclear.

Laboratory of Medical Genetics Unit, Bambino Gesù Children's Hospital
Classification: Uncertain significance for Astrocytoma IDH-mutant. Review status: criteria provided, single submitter. Criteria: ACMG Guidelines, 2015. Collection method: research. Allele origin: germline. Affected: yes. Observed: 1 heterozygote.

NM_001040108.2(MLH3):c.1459C>T (p.His487Tyr)

Gene: MLH3 (mutL homolog 3; minus strand). Cytogenetic location: 14q24.3.
Variant type: single nucleotide variant.
Coding change: c.1459C>T on transcript NM_001040108.2 (MANE Select); coding-DNA position 1459, C replaced by T.
Protein change: p.His487Tyr; replaces histidine 487 with tyrosine.
Molecular consequence: missense variant.
Genome position (GRCh38, 1-based): chr14:75,048,197, G>A on the plus strand (C>T on the coding strand, the complement: MLH3 is on the minus strand). VCF-style: chr14-75048197-G-A. GRCh37 (hg19) VCF-style: chr14-75514900-G-A.
Other names: c.1459C>T, p.His487Tyr (NM_014381.3); short protein forms H487Y.
Identifiers: ClinVar variation 3370310 (VCV003370310.2), dbSNP rs751198189.
Genomic context (GRCh38, chr14:75,048,197, plus strand): 5'-TTTCTAAACTGGTTCCACACGGATTTTCTAAAGAGCTATGTTCCAGGAAAGATTTTTTAT[G>A]TTTCTCATTTTCTCCAGCTTCTGATGCTACAATTGTCTCTTGTTCTAACATCTTTGATTC-3'
Protein context (NP_001035197.1, residues 477-497): VASEAGENEK[His487Tyr]KKSFLEHSSL